The following is an entry in ClinVar:

NM_152263.4(TPM3):c.270C>A (p.Asn90Lys)

Gene: TPM3 (tropomyosin 3; minus strand). Cytogenetic location: 1q21.3.
Variant type: single nucleotide variant.
Coding change: c.270C>A on transcript NM_152263.4 (MANE Select); coding-DNA position 270, C replaced by A.
Protein change: p.Asn90Lys; replaces asparagine 90 with lysine.
Molecular consequence: missense variant. On other transcripts: 5 prime UTR variant (1), non-coding transcript variant (1), intron variant (1).
Genome position (GRCh38, 1-based): chr1:154,176,222, G>T on the plus strand (C>A on the coding strand, the complement: TPM3 is on the minus strand). VCF-style: chr1-154176222-G-T. GRCh37 (hg19) VCF-style: chr1-154148698-G-T.
Other names: c.159C>A, p.Asn53Lys (NM_001043351.2, NM_001043352.2, NM_001043353.2 and 5 more transcripts); c.-112C>A (NM_001278191.2); c.270C>A, p.Asn90Lys (NM_001364679.2, NM_001364680.2, NM_001364681.2 and 1 more transcripts); c.69-3021C>A (NM_001278188.2); short protein forms N53K, N90K.
Identifiers: ClinVar variation 3758567 (VCV003758567.2).
Genomic context (GRCh38, chr1:154,176,222, plus strand): 5'-GGCAGTGGCCAGGCGCTCCTGAGCACGGTCCAGCTCTTCTTCAACCAGCTGGATCCTACG[G>T]TTCAAGGAGGCCACCTCAGCCTCAGCCTGCATTTGAAGGAAAGAATGGACAAGGGAAGCA-3'
Protein context (NP_689476.2, residues 80-100): ADAEAEVASL[Asn90Lys]RRIQLVEEEL

ClinVar aggregate classification (germline): Uncertain significance (1 of 4 stars; one submission).

Conditions:
Congenital myopathy with fiber type disproportion. Also called: Congenital fiber-type disproportion; Congenital fiber-type disproportion myopathy. Identifiers: Orphanet 2020, MedGen C0546264, MONDO:0009711. Inheritance: all.
Congenital myopathy 4B, autosomal recessive. Also called: Nemaline myopathy 1, autosomal dominant or recessive. Identifiers: Orphanet 171433, Orphanet 171439, Orphanet 171881, MedGen C5829889, MONDO:0012239, OMIM 609284.

Submission:

Labcorp Genetics (formerly Invitae), Labcorp
Classification: Uncertain significance for Congenital myopathy with fiber type disproportion; Congenital myopathy 4B, autosomal recessive. Last evaluated: 2024-09-03. Review status: criteria provided, single submitter. Criteria: Invitae Variant Classification Sherloc (09022015). Collection method: clinical testing. Allele origin: germline.
Comment: This sequence change replaces asparagine, which is neutral and polar, with lysine, which is basic and polar, at codon 90 of the TPM3 protein (p.Asn90Lys). This variant is not present in population databases (gnomAD no frequency). This variant has not been reported in the literature in individuals affected with TPM3-related conditions. Invitae Evidence Modeling of protein sequence and biophysical properties (such as structural, functional, and spatial information, amino acid conservation, physicochemical variation, residue mobility, and thermodynamic stability) indicates that this missense variant is not expected to disrupt TPM3 protein function with a negative predictive value of 80%. In summary, the available evidence is currently insufficient to determine the role of this variant in disease. Therefore, it has been classified as a Variant of Uncertain Significance.